The following is an entry in ClinVar:

ClinVar aggregate classification (germline): Uncertain significance (1 of 4 stars; one submission).

Conditions:
Dilated cardiomyopathy 1O (CMD1O). Also called: CARDIOMYOPATHY, DILATED, WITH VENTRICULAR TACHYCARDIA. Identifiers: Orphanet 154, MedGen C1837839, MONDO:0012062, OMIM 608569.

Submission:

Labcorp Genetics (formerly Invitae), Labcorp
Classification: Uncertain significance for Dilated cardiomyopathy 1O. Last evaluated: 2019-10-16. Review status: criteria provided, single submitter. Criteria: Invitae Variant Classification Sherloc (09022015). Collection method: clinical testing. Allele origin: germline.
Comment: This variant has not been reported in the literature in individuals with ABCC9-related conditions. Algorithms developed to predict the effect of missense changes on protein structure and function are either unavailable or do not agree on the potential impact of this missense change (SIFT: "Tolerated"; PolyPhen-2: "Possibly Damaging"; Align-GVGD: "Class C0"). In summary, the available evidence is currently insufficient to determine the role of this variant in disease. Therefore, it has been classified as a Variant of Uncertain Significance. This variant is not present in population databases (ExAC no frequency). This sequence change replaces leucine with valine at codon 1093 of the ABCC9 protein (p.Leu1093Val). The leucine residue is moderately conserved and there is a small physicochemical difference between leucine and valine.

NM_020297.4(ABCC9):c.3277C>G (p.Leu1093Val)

Gene: ABCC9 (ATP binding cassette subfamily C member 9; minus strand). Cytogenetic location: 12p12.1.
Variant type: single nucleotide variant.
Coding change: c.3277C>G on transcript NM_020297.4 (MANE Select); coding-DNA position 3277, C replaced by G.
Protein change: p.Leu1093Val; replaces leucine 1093 with valine.
Molecular consequence: missense variant.
Genome position (GRCh38, 1-based): chr12:21,844,521, G>C on the plus strand (C>G on the coding strand, the complement: ABCC9 is on the minus strand). VCF-style: chr12-21844521-G-C. GRCh37 (hg19) VCF-style: chr12-21997455-G-C.
Other names: c.3277C>G, p.Leu1093Val (NM_001377273.1, NM_005691.4); c.2410C>G, p.Leu804Val (NM_001377274.1); short protein forms L804V, L1093V.
Identifiers: ClinVar variation 969387 (VCV000969387.9), dbSNP rs1944534021, ClinGen allele CA384118142.